The following is an entry in ClinVar:

ClinVar aggregate classification (germline): Conflicting classifications of pathogenicity. Review status: criteria provided, conflicting classifications (1 of 4 stars). 2 submissions from 2 submitters: Uncertain significance (1); Likely benign (1). Last evaluated 2023-03-23.

Conditions:
Hereditary cancer-predisposing syndrome. Also called: Hereditary neoplastic syndrome; Tumor predisposition; Neoplastic Syndromes, Hereditary; Hereditary Cancer Syndrome. Identifiers: Orphanet 140162, MedGen C0027672, MeSH D009386, MONDO:0015356.
Hereditary breast ovarian cancer syndrome. Also called: Hereditary breast and ovarian cancer; Breast and ovarian cancer; BRCA1- and BRCA2-Associated Hereditary Breast and Ovarian Cancer; Hereditary breast and/or ovarian cancer syndrome; Hereditary breast and ovarian cancer syndrome; Hereditary breast and ovarian cancer syndrome (HBOC). Identifiers: Orphanet 145, MedGen C0677776, MeSH D061325, MONDO:0003582. Disease mechanism: loss of function.

Submissions (2):

University of Washington Department of Laboratory Medicine, University of Washington
Classification: Likely benign for Hereditary cancer-predisposing syndrome. Last evaluated: 2023-03-23. Review status: criteria provided, single submitter. Criteria: Dines et al. (Genet Med. 2020). Collection method: curation. Allele origin: germline.
Comment: Missense variant in a coldspot region where missense variants are very unlikely to be pathogenic (PMID:31911673).

BRCA1 coldspot (exon 11 using historical exon numbering). Reclassification based on statistical prior probability

Labcorp Genetics (formerly Invitae), Labcorp
Classification: Uncertain significance for Hereditary breast ovarian cancer syndrome. Last evaluated: 2021-01-12. Review status: criteria provided, single submitter. Criteria: Invitae Variant Classification Sherloc (09022015). Collection method: clinical testing. Allele origin: germline.
Comment: In summary, the available evidence is currently insufficient to determine the role of this variant in disease. Therefore, it has been classified as a Variant of Uncertain Significance. Advanced modeling of protein sequence and biophysical properties (such as structural, functional, and spatial information, amino acid conservation, physicochemical variation, residue mobility, and thermodynamic stability) performed at Invitae indicates that this missense variant is not expected to disrupt BRCA1 protein function. This variant has not been reported in the literature in individuals with BRCA1-related conditions. This variant is not present in population databases (ExAC no frequency). This sequence change replaces proline with arginine at codon 706 of the BRCA1 protein (p.Pro706Arg). The proline residue is moderately conserved and there is a moderate physicochemical difference between proline and arginine.

NM_007294.4(BRCA1):c.2117C>G (p.Pro706Arg)

Gene: BRCA1 (BRCA1 DNA repair associated; minus strand). Cytogenetic location: 17q21.31.
Variant type: single nucleotide variant.
Coding change: c.2117C>G on transcript NM_007294.4 (MANE Select); coding-DNA position 2117, C replaced by G.
Protein change: p.Pro706Arg; replaces proline 706 with arginine.
Molecular consequence: missense variant. On other transcripts: intron variant (137).
Genome position (GRCh38, 1-based): chr17:43,093,414, G>C on the plus strand (C>G on the coding strand, the complement: BRCA1 is on the minus strand). VCF-style: chr17-43093414-G-C. GRCh37 (hg19) VCF-style: chr17-41245431-G-C.
Other names: c.2117C>G, p.Pro706Arg (NM_001407594.1, NM_001407596.1, NM_001407597.1 and 30 more transcripts); c.2114C>G, p.Pro705Arg (NM_001407627.1, NM_001407628.1, NM_001407644.1 and 22 more transcripts); c.2108C>G, p.Pro703Arg (NM_001407646.1, NM_001407647.1); c.1994C>G, p.Pro665Arg (NM_001407648.1, NM_001407664.1, NM_001407665.1 and 19 more transcripts); c.2036C>G, p.Pro679Arg (NM_001407661.1, NM_001407662.1, NM_001407659.1 and 1 more transcripts); c.2039C>G, p.Pro680Arg (NM_001407663.1, NM_001407653.1, NM_001407654.1 and 4 more transcripts); c.1991C>G, p.Pro664Arg (NM_001407685.1, NM_001407686.1, NM_001407687.1 and 11 more transcripts); c.1976C>G, p.Pro659Arg (NM_001407725.1, NM_001407726.1, NM_001407727.1 and 29 more transcripts); and 41 more; short protein forms P706R, P659R, P595R, P639R, P658R, P665R, P538R, P638R.
Identifiers: ClinVar variation 1501635 (VCV001501635.11), dbSNP rs759655692, ClinGen allele CA10597766.